The following is an entry in ClinVar:

ClinVar aggregate classification (germline): Pathogenic (1 of 4 stars; one submission).

Conditions:
LAMA2-related muscular dystrophy (LAMA2-RD). Also called: Laminin alpha 2-related dystrophy. Identifiers: MedGen C5679788, MONDO:0100228.

Submission:

Labcorp Genetics (formerly Invitae), Labcorp
Classification: Pathogenic for LAMA2-related muscular dystrophy. Last evaluated: 2024-09-27. Review status: criteria provided, single submitter. Criteria: Invitae Variant Classification Sherloc (09022015). Collection method: clinical testing. Allele origin: germline.
Comment: This sequence change creates a premature translational stop signal (p.Gln2136*) in the LAMA2 gene. It is expected to result in an absent or disrupted protein product. Loss-of-function variants in LAMA2 are known to be pathogenic (PMID: 18700894, 32904964). This variant is not present in population databases (gnomAD no frequency). This variant has not been reported in the literature in individuals affected with LAMA2-related conditions. For these reasons, this variant has been classified as Pathogenic.

Literature cited by the submitters: PubMed 18700894; PubMed 32904964.

NM_000426.4(LAMA2):c.6406C>T (p.Gln2136Ter)

Gene: LAMA2 (laminin subunit alpha 2; plus strand). Cytogenetic location: 6q22.33.
Variant type: single nucleotide variant.
Coding change: c.6406C>T on transcript NM_000426.4 (MANE Select); coding-DNA position 6406, C replaced by T.
Protein change: p.Gln2136Ter; replaces glutamine 2136 with a stop codon.
Molecular consequence: nonsense.
Genome position (GRCh38, 1-based): chr6:129,445,798, C>T. VCF-style: chr6-129445798-C-T. GRCh37 (hg19) VCF-style: chr6-129766943-C-T.
Other names: c.6406C>T, p.Gln2136Ter (NM_001079823.2); short protein forms Q2136*.
Identifiers: ClinVar variation 3660358 (VCV003660358.2).